The following is an entry in ClinVar:

NM_001348323.3(TRIP12):c.2166G>A (p.Met722Ile)

Gene: TRIP12 (thyroid hormone receptor interactor 12; minus strand). Cytogenetic location: 2q36.3.
Variant type: single nucleotide variant.
Coding change: c.2166G>A on transcript NM_001348323.3 (MANE Select); coding-DNA position 2166, G replaced by A.
Protein change: p.Met722Ile; replaces methionine 722 with isoleucine.
Molecular consequence: missense variant.
Genome position (GRCh38, 1-based): chr2:229,810,935, C>T on the plus strand (G>A on the coding strand, the complement: TRIP12 is on the minus strand). VCF-style: chr2-229810935-C-T. GRCh37 (hg19) VCF-style: chr2-230675651-C-T.
Other names: c.2166G>A, p.Met722Ile (NM_001284214.2, NM_001348315.2, NM_001348319.1 and 11 more transcripts); c.2040G>A, p.Met680Ile (NM_001284215.2, NM_001348316.2, NM_001348317.1 and 2 more transcripts); c.1131G>A, p.Met377Ile (NM_001284216.2); c.2079G>A, p.Met693Ile (NM_001348332.1); c.2022G>A, p.Met674Ile (NM_004238.3); short protein forms M377I, M674I, M680I, M693I, M722I.
Identifiers: ClinVar variation 3360926 (VCV003360926.2).

ClinVar aggregate classification (germline): Uncertain significance (1 of 4 stars; one submission).

Submission:

GeneDx
Classification: Uncertain significance. Last evaluated: 2026-02-10. Review status: criteria provided, single submitter. Criteria: GeneDx Variant Classification Process June 2021. Collection method: clinical testing. Allele origin: germline.
Comment: Not observed at significant frequency in large population cohorts (gnomAD); In silico analysis supports that this missense variant has a deleterious effect on protein structure/function; Has not been previously published as pathogenic or benign to our knowledge